The following is an entry in ClinVar:

ClinVar aggregate classification (germline): Pathogenic/Likely pathogenic. Review status: criteria provided, multiple submitters, no conflicts (2 of 4 stars). 3 submissions from 3 submitters: Pathogenic (1); Likely pathogenic (1). 1 of the submissions does not count toward it. Last evaluated 2025-04-07.

Conditions:
WLS syndrome.
Zaki syndrome. Also called: MICROCEPHALY, PROGRESSIVE, WITH DEVELOPMENTAL DELAY, CUPPED EARS, AND DYSMORPHIC FEATURES. Identifiers: MedGen C5562037, MONDO:0859209, OMIM 619648.

Allele frequency attached by ClinVar (database versions not stated): gnomAD exomes 0.00002 and 0.00005; gnomAD 0.00005 and 0.00004; TOPMed 0.00006.
gnomAD v4.1: 85 of 1,613,892 alleles (0.0053%); highest among the groups gnomAD compares: Non-Finnish European, 0.0068%; no homozygotes.

Submissions (3):

Variantyx, Inc.
Classification: Likely pathogenic for Zaki syndrome. Last evaluated: 2025-04-07. Review status: criteria provided, single submitter. Criteria: Variantyx Assertion Criteria 2022. Collection method: clinical testing. Allele origin: germline. Inheritance: Autosomal recessive inheritance. Affected: no.
Comment: This is a nonsynonymous variant in the WLS gene (OMIM: 611514). Pathogenic variants in this gene have been associated with autosomal recessive Zaki syndrome. This variant has been identified in the homozygous or compound heterozygous state in at least 3 individual(s) reported in the published literature (PMID: 37005218, 34587386). Functional studies have shown that this variant alters WLS protein function (PMID: 34587386, 37005218) (PS3) and multiple computational algorithms predict a deleterious effect for this variant (REVEL score: 0.736) (PP3). This variant has a 0.0068% maximum allele frequency in non-founder control populations (PM2). Based on the current evidence, this variant is classified as likely pathogenic for autosomal recessive zaki syndrome.

Gleeson Lab, University of California San Diego - Department of Neuroscience
Classification: Pathogenic for WLS syndrome. Last evaluated: 2021-04-21. Review status: criteria provided, single submitter. Criteria: ACMG Guidelines, 2015. Collection method: research. Allele origin: inherited. Affected: yes. Observed: 3 variant alleles, 3 homozygotes. Clinical features observed: Short stature (HP:0004322), Decreased head circumference (HP:0040195), Abnormal facial shape (HP:0001999), Cutaneous syndactyly of toes (HP:0010621), Visual impairment (HP:0000505), Iris coloboma (HP:0000612), Microcornea (HP:0000482), Absent eyebrow (HP:0002223), Wide intermamillary distance (HP:0006610), Cupped ear (HP:0000378), Abnormality of the eye (HP:0000478).

OMIM
Classification: Pathogenic for ZAKI SYNDROME. Last evaluated: 2026-03-31. Review status: no assertion criteria provided. Collection method: literature only. Allele origin: germline. Not counted in ClinVar's aggregate classification.

Literature cited by the submitters: PubMed 34587386 (cited by Variantyx, Inc. and OMIM); PubMed 37005218 (cited by Variantyx, Inc.).

NM_024911.7(WLS):c.1433A>G (p.Tyr478Cys)

Genes: GNG12-AS1 (GNG12, DIRAS3 and WLS antisense RNA 1; plus strand), WLS (Wnt ligand secretion mediator; minus strand). Cytogenetic location: 1p31.3.
Variant type: single nucleotide variant.
Coding change: c.1433A>G on transcript NM_024911.7 (MANE Select); coding-DNA position 1433, A replaced by G.
Protein change: p.Tyr478Cys; replaces tyrosine 478 with cysteine.
Molecular consequence: missense variant.
Genome position (GRCh38, 1-based): chr1:68,137,863, T>C on the plus strand (A>G on the coding strand, the complement: WLS is on the minus strand). VCF-style: chr1-68137863-T-C. GRCh37 (hg19) VCF-style: chr1-68603546-T-C.
Other names: c.1427A>G, p.Tyr476Cys (NM_001002292.4); c.1160A>G, p.Tyr387Cys (NM_001193334.1); short protein forms Y387C, Y476C, Y478C.
Identifiers: ClinVar variation 1098568 (VCV001098568.4), dbSNP rs985347096, ClinGen allele CA23575880.